The following is an entry in ClinVar:

ClinVar aggregate classification (germline): Uncertain significance (1 of 4 stars; one submission).

Conditions:
Aicardi-Goutieres syndrome 5. Identifiers: Orphanet 51, MedGen C2749659, MONDO:0013059, OMIM 612952.

Submission:

Labcorp Genetics (formerly Invitae), Labcorp
Classification: Uncertain significance for Aicardi-Goutieres syndrome 5. Last evaluated: 2024-04-05. Review status: criteria provided, single submitter. Criteria: Invitae Variant Classification Sherloc (09022015). Collection method: clinical testing. Allele origin: germline.
Comment: This sequence change replaces arginine, which is basic and polar, with leucine, which is neutral and non-polar, at codon 143 of the SAMHD1 protein (p.Arg143Leu). This variant is not present in population databases (gnomAD no frequency). This variant has not been reported in the literature in individuals affected with SAMHD1-related conditions. Advanced modeling of protein sequence and biophysical properties (such as structural, functional, and spatial information, amino acid conservation, physicochemical variation, residue mobility, and thermodynamic stability) performed at Invitae indicates that this missense variant is expected to disrupt SAMHD1 protein function with a positive predictive value of 80%. This variant disrupts the p.Arg143 amino acid residue in SAMHD1. Other variant(s) that disrupt this residue have been determined to be pathogenic (PMID: 19525956, 28229507, 29379009, 33683010; Invitae). This suggests that this residue is clinically significant, and that variants that disrupt this residue are likely to be disease-causing. In summary, the available evidence is currently insufficient to determine the role of this variant in disease. Therefore, it has been classified as a Variant of Uncertain Significance.

Literature cited by the submitters: PubMed 19525956; PubMed 28229507; PubMed 29379009; PubMed 33683010.

NM_015474.4(SAMHD1):c.428G>T (p.Arg143Leu)

Gene: SAMHD1 (SAM and HD domain containing deoxynucleoside triphosphate triphosphohydrolase 1; minus strand). Cytogenetic location: 20q11.23.
Variant type: single nucleotide variant.
Coding change: c.428G>T on transcript NM_015474.4 (MANE Select); coding-DNA position 428, G replaced by T.
Protein change: p.Arg143Leu; replaces arginine 143 with leucine.
Molecular consequence: missense variant.
Genome position (GRCh38, 1-based): chr20:36,935,110, C>A on the plus strand (G>T on the coding strand, the complement: SAMHD1 is on the minus strand). VCF-style: chr20-36935110-C-A. GRCh37 (hg19) VCF-style: chr20-35563513-C-A.
Other names: c.428G>T, p.Arg143Leu (NM_001363729.2, NM_001363733.2); short protein forms R143L.
Identifiers: ClinVar variation 3695370 (VCV003695370.2).